The following is an entry in ClinVar:

NM_000545.8(HNF1A):c.475C>G (p.Arg159Gly)

Gene: HNF1A (HNF1 homeobox A; plus strand). Cytogenetic location: 12q24.31.
Variant type: single nucleotide variant.
Coding change: c.475C>G on transcript NM_000545.8 (MANE Select); coding-DNA position 475, C replaced by G.
Protein change: p.Arg159Gly; replaces arginine 159 with glycine.
Molecular consequence: missense variant.
Genome position (GRCh38, 1-based): chr12:120,988,981, C>G. VCF-style: chr12-120988981-C-G. GRCh37 (hg19) VCF-style: chr12-121426784-C-G.
Other names: NM_001306179.1:c.475C>G; c.475C>G, p.Arg159Gly (NM_001306179.2); short protein forms R159G.
Identifiers: ClinVar variation 1676704 (VCV001676704.4), dbSNP rs765432081, ClinGen allele CA386960405.

ClinVar aggregate classification (germline): Likely pathogenic (3 of 4 stars; one submission).

Conditions:
Monogenic diabetes. Identifiers: Orphanet 183625, MedGen C3888631, MONDO:0015967.

Submission:

ClinGen Monogenic Diabetes Variant Curation Expert Panel
Classification: Likely pathogenic for Monogenic diabetes. Last evaluated: 2025-06-09. Review status: reviewed by expert panel. Criteria: ClinGen Diabetes ACMG Specifications HNF1A V2.1.0. Collection method: curation. Allele origin: germline. Inheritance: Autosomal dominant inheritance.
Comment: The c.475C>G variant in the HNF1 homeobox A gene, HNF1A, causes an amino acid change of arginine to glycine at codon 159 (p.(Arg159Gly)) of NM_000545.8. This variant is located within a conserved region of the DNA binding domain (codons 107-174 and 201-280) of HNF1A, which is defined as critical for the protein’s function by the ClinGen MDEP (PM1_Supporting). This variant is absent from gnomAD v2.1.1 and v4.1.0 (PM2_Supporting). This variant is predicted to be deleterious by computational evidence, with a REVEL score of 0.905, which is greater than the MDEP threshold of 0.70 (PP3). Two other missense variants, c.476G>A (p.Arg159Gln) and c.475C>T (p.Arg159Trp), have been interpreted as pathogenic by the ClinGen MDEP, and p.(Arg.159Gly) has a greater Grantham distance than both (PM5_Strong). In summary, c.475C>G meets the criteria to be classified as likely pathogenic for monogenic diabetes. ACMG/AMP criteria applied, as specified by the ClinGen MDEP (specification version 2.1.0, approved 8/11/23): PM1_Supporting, PM2_Supporting, PM5_Strong, PP3.